The following is an entry in ClinVar:

NM_002764.4(PRPS1):c.805G>T (p.Val269Leu)

Gene: PRPS1 (phosphoribosyl pyrophosphate synthetase 1; plus strand). Cytogenetic location: Xq22.3.
Variant type: single nucleotide variant.
Coding change: c.805G>T on transcript NM_002764.4 (MANE Select); coding-DNA position 805, G replaced by T.
Protein change: p.Val269Leu; replaces valine 269 with leucine.
Molecular consequence: missense variant.
Genome position (GRCh38, 1-based): chrX:107,647,706, G>T. VCF-style: chrX-107647706-G-T. GRCh37 (hg19) VCF-style: chrX-106890936-G-T.
Other names: c.193G>T, p.Val65Leu (NM_001204402.2); c.805G>T (NM_002764.3); short protein forms V65L, V269L.
Identifiers: ClinVar variation 1381487 (VCV001381487.6), dbSNP rs1241819619, ClinGen allele CA413814787.

ClinVar aggregate classification (germline): Uncertain significance. Review status: criteria provided, multiple submitters, no conflicts (2 of 4 stars). 2 submissions from 2 submitters: Uncertain significance (2). Last evaluated 2024-07-19.

Conditions:
Charcot-Marie-Tooth Neuropathy X. Identifiers: MedGen CN118851.

Allele frequency attached by ClinVar (database versions not stated): gnomAD exomes below 0.00001 and 0.00001.
gnomAD v4.1: 2 of 1,211,153 alleles (0.00017%); highest among the groups gnomAD compares: Admixed American, 0.0043%; no homozygotes.

Submissions (2):

GeneDx
Classification: Uncertain significance. Last evaluated: 2024-07-19. Review status: criteria provided, single submitter. Criteria: GeneDx Variant Classification Process June 2021. Collection method: clinical testing. Allele origin: germline. Affected: yes.
Comment: In silico analysis indicates that this missense variant does not alter protein structure/function; Has not been previously published as pathogenic or benign to our knowledge

Labcorp Genetics (formerly Invitae), Labcorp
Classification: Uncertain significance for Charcot-Marie-Tooth Neuropathy X. Last evaluated: 2022-02-04. Review status: criteria provided, single submitter. Criteria: Invitae Variant Classification Sherloc (09022015). Collection method: clinical testing. Allele origin: germline.
Comment: This sequence change replaces valine, which is neutral and non-polar, with leucine, which is neutral and non-polar, at codon 269 of the PRPS1 protein (p.Val269Leu). This variant is present in population databases (no rsID available, gnomAD 0.008%). This variant has not been reported in the literature in individuals affected with PRPS1-related conditions. Algorithms developed to predict the effect of missense changes on protein structure and function are either unavailable or do not agree on the potential impact of this missense change (SIFT: "Deleterious"; PolyPhen-2: "Benign"; Align-GVGD: "Class C0"). In summary, the available evidence is currently insufficient to determine the role of this variant in disease. Therefore, it has been classified as a Variant of Uncertain Significance.